The following is an entry in ClinVar:

NM_022455.5(NSD1):c.6241T>A (p.Leu2081Met)

Gene: NSD1 (nuclear receptor binding SET domain protein 1; plus strand). Cytogenetic location: 5q35.3.
Variant type: single nucleotide variant.
Coding change: c.6241T>A on transcript NM_022455.5 (MANE Select); coding-DNA position 6241, T replaced by A.
Protein change: p.Leu2081Met; replaces leucine 2081 with methionine.
Molecular consequence: missense variant. On other transcripts: intron variant (1).
Genome position (GRCh38, 1-based): chr5:177,288,908, T>A. VCF-style: chr5-177288908-T-A. GRCh37 (hg19) VCF-style: chr5-176715909-T-A.
Other names: c.6241T>A, p.Leu2081Met (NM_001409302.1, NM_001409303.1, NM_001409301.1); c.5821T>A, p.Leu1941Met (NM_001409304.1); c.5488T>A, p.Leu1830Met (NM_001409305.1); c.5479T>A, p.Leu1827Met (NM_001409306.1, NM_001409307.1); c.5368T>A, p.Leu1790Met (NM_001409308.1, NM_172349.5, NM_001365684.2); c.5137-3046T>A (NM_001409309.1); short protein forms L1790M, L1827M, L1830M, L1941M, L2081M.
Identifiers: ClinVar variation 4848417 (VCV004848417.1).

ClinVar aggregate classification (germline): Uncertain significance (1 of 4 stars; one submission).

Submission:

Women's Health and Genetics/Laboratory Corporation of America, LabCorp
Classification: Uncertain significance. Last evaluated: 2026-04-29. Review status: criteria provided, single submitter. Criteria: LabCorp Variant Classification Summary - May 2015. Collection method: clinical testing. Allele origin: germline.
Comment: Variant summary: NSD1 c.6241T>A (p.Leu2081Met) results in a conservative amino acid change in the encoded protein sequence. Algorithms developed to predict the effect of missense changes on protein structure and function are either unavailable or do not agree on the potential impact of this missense change. The variant was absent in 251486 control chromosomes. The available data on variant occurrences in the general population are insufficient to allow any conclusion about variant significance. To our knowledge, no occurrence of c.6241T>A in individuals affected with NSD1-related conditions and no experimental evidence demonstrating its impact on protein function have been reported. No submitters have cited clinical-significance assessments for this variant to ClinVar. Based on the evidence outlined above, the variant was classified as uncertain significance.